The following is an entry in ClinVar:

NM_000277.3(PAH):c.931_932del (p.Leu311fs)

Gene: PAH (phenylalanine hydroxylase; minus strand). Cytogenetic location: 12q23.2.
Variant type: Microsatellite.
Coding change: c.931_932del on transcript NM_000277.3 (MANE Select); coding-DNA positions 931 to 932, 2 bases deleted (CT; older notation c.931_932delCT).
Protein change: p.Leu311fs; shifts the reading frame from leucine 311.
Molecular consequence: frameshift variant.
Genome position (GRCh38, 1-based): chr12:102,846,932-102,846,933, AG deleted on the plus strand (CT on the coding strand, the reverse complement: PAH is on the minus strand); deleting any 2 consecutive bases within chr12:102,846,932-102,846,937 gives the same sequence; the c. name uses the placement nearest the transcript's 3' end. VCF-style (leftmost placement, unchanged base first): chr12-102846931-CAG-C. GRCh37 (hg19) VCF-style: chr12-103240709-CAG-C.
Other names: c.931_932del, p.Leu311fs (NM_001354304.2); short protein forms L311fs.
Identifiers: ClinVar variation 120297 (VCV000120297.6), dbSNP rs281865430, ClinGen allele CA267689.

ClinVar aggregate classification (germline): Pathogenic. Review status: reviewed by expert panel (3 of 4 stars). 3 submissions from 3 submitters: Pathogenic (1). 2 of the submissions do not count toward it. Last evaluated 2019-07-14.

Conditions:
Phenylketonuria (PKU). Also called: Phenylketonuria (PKU); FOLLING DISEASE; OLIGOPHRENIA PHENYLPYRUVICA; Phenylketonurias. Identifiers: Orphanet 716, MedGen C0031485, MONDO:0009861, OMIM 261600. Disease mechanism: loss of function.

Submissions (3):

ClinGen PAH Variant Curation Expert Panel
Classification: Pathogenic for Phenylketonuria. Last evaluated: 2019-07-14. Review status: reviewed by expert panel. Criteria: ClinGen PAH ACMG Specifications v1. Collection method: curation. Allele origin: germline. Inheritance: Autosomal recessive inheritance.
Comment: The c.931_932del frameshift variant has been identified in at least 1 proband with mild PKU, BH4 deficiency not excluded (PMID: 26666653). It has been detected in trans with the pathogenic variant R241C (PMID: 26666653). This variant is absent from 1000G, Exac, and gnomAD databases. c.931_932delCT generates a frameshift predicted to result in a premature stop codon 4 residues downstream in exon 9 and undergo NMD. In summary, this variant meets criteria to be classified as pathogenic for PAH. PAH-specific ACMG/AMP criteria applied: PVS1, PM3_Supporting, PM2, PP4.

Genome-Nilou Lab
Classification: Pathogenic for Phenylketonuria. Last evaluated: 2021-07-22. Review status: criteria provided, single submitter. Criteria: ACMG Guidelines, 2015. Collection method: clinical testing. Allele origin: germline. Affected: no. Not counted in ClinVar's aggregate classification.

Inserm U 954, Faculté de Médecine de Nancy
Classification: Likely pathogenic for Phenylketonuria. Review status: no assertion criteria provided. Collection method: not provided. Allele origin: unknown. Not counted in ClinVar's aggregate classification.
ClinVar note: Converted during submission from probable-pathogenic to Likely pathogenic.

Literature cited by the submitters: PubMed 26666653 (cited by ClinGen PAH Variant Curation Expert Panel).